The following is an entry in ClinVar:

NC_000007.14:g.(?_5977582)_(5982997_?)del

Gene: PMS2 (PMS1 homolog 2, mismatch repair system component; minus strand). Cytogenetic location: 7p22.1.
Variant type: Deletion.
Identifiers: ClinVar variation 455090 (VCV000455090.1).

ClinVar aggregate classification (germline): Pathogenic (1 of 4 stars; one submission).

Conditions:
Hereditary nonpolyposis colorectal neoplasms. Identifiers: MedGen C0009405, MeSH D003123.

Submission:

Labcorp Genetics (formerly Invitae), Labcorp
Classification: Pathogenic for Hereditary nonpolyposis colon cancer. Last evaluated: 2018-03-20. Review status: criteria provided, single submitter. Criteria: Invitae Variant Classification Sherloc (09022015). Collection method: clinical testing. Allele origin: germline.
Comment: This variant is an in-frame deletion of the genomic region encompassing exons 7-14 of the PMS2 gene. It preserves the integrity of the reading frame. A similar deletion of exons 7-14 has been reported on the opposite chromosome (in trans) from another pathogenic variant in an individual with constitutional mismatch repair deficiency (CMMRD) (PMID: 23582141). This finding is consistent with autosomal recessive inheritance for CMMRD, and suggests that this variant contributes to disease. Several missense substitutions in exons 7-14 (p.Lys301Asn, p.Ile668Val and p.Glu705Lys) have been determined to be pathogenic (PMID: 18602922, 26110232, 25856668, 27435373, 25691505, 24027009, 20176959, 26318770, 27601186). This suggests that this region is critical for PMS2 protein function and this deletion variant may also be pathogenic. Loss-of-function variants in PMS2 are known to be pathogenic (PMID: 21376568, 24362816). For these reasons, this variant has been classified as Pathogenic.

Literature cited by the submitters: PubMed 18602922; PubMed 27435373; PubMed 24027009; PubMed 26318770; PubMed 26110232; PubMed 20176959; PubMed 25856668; PubMed 27601186; PubMed 23582141; PubMed 25691505.